The following is an entry in ClinVar:

NM_021939.4(FKBP10):c.1034dup (p.His346fs)

Gene: FKBP10 (FKBP prolyl isomerase 10; plus strand). Cytogenetic location: 17q21.2.
Variant type: Duplication.
Coding change: c.1034dup on transcript NM_021939.4 (MANE Select); coding-DNA position 1034, one base duplicated (C; older notation c.1034dupC).
Protein change: p.His346fs; shifts the reading frame from histidine 346.
Molecular consequence: frameshift variant.
Genome position (GRCh38, 1-based): chr17:41,819,646, C duplicated; the last of 6 consecutive C bases (chr17:41,819,641-41,819,646); duplicating any one gives the same sequence. VCF-style (leftmost placement, unchanged base first): chr17-41819640-T-TC. GRCh37 (hg19) VCF-style: chr17-39975892-T-TC.
Other names: short protein forms H346fs.
Identifiers: ClinVar variation 4739109 (VCV004739109.1).

ClinVar aggregate classification (germline): Pathogenic (1 of 4 stars; one submission).

Submission:

Labcorp Genetics (formerly Invitae), Labcorp
Classification: Pathogenic. Last evaluated: 2026-01-20. Review status: criteria provided, single submitter. Criteria: Invitae Variant Classification Sherloc (09022015). Collection method: clinical testing. Allele origin: germline.
Comment: This sequence change creates a premature translational stop signal (p.His346Alafs*27) in the FKBP10 gene. It is expected to result in an absent or disrupted protein product. Loss-of-function variants in FKBP10 are known to be pathogenic (PMID: 22689593, 22949511). This variant is present in population databases (no rsID available, gnomAD 0.003%). This premature translational stop signal has been observed in individual(s) with clinical features of osteogenesis imperfecta (PMID: 29620724). Algorithms developed to predict the effect of sequence changes on RNA splicing suggest that this variant may disrupt the consensus splice site. For these reasons, this variant has been classified as Pathogenic.

Literature cited by the submitters: PubMed 22689593; PubMed 22949511; PubMed 29620724.